The following is an entry in ClinVar:

ClinVar aggregate classification (germline): Uncertain significance (1 of 4 stars; one submission).

Allele frequency attached by ClinVar (database versions not stated): gnomAD exomes below 0.00001; TOPMed below 0.00001; gnomAD 0.00001.

Submission:

Labcorp Genetics (formerly Invitae), Labcorp
Classification: Uncertain significance. Last evaluated: 2022-06-27. Review status: criteria provided, single submitter. Criteria: Invitae Variant Classification Sherloc (09022015). Collection method: clinical testing. Allele origin: germline.
Comment: This sequence change replaces glutamic acid, which is acidic and polar, with lysine, which is basic and polar, at codon 387 of the NR2E3 protein (p.Glu387Lys). This variant is not present in population databases (gnomAD no frequency). This variant has not been reported in the literature in individuals affected with NR2E3-related conditions. Experimental studies and prediction algorithms are not available or were not evaluated, and the functional significance of this variant is currently unknown. In summary, the available evidence is currently insufficient to determine the role of this variant in disease. Therefore, it has been classified as a Variant of Uncertain Significance.

NM_014249.4(NR2E3):c.1159G>A (p.Glu387Lys)

Gene: NR2E3 (nuclear receptor subfamily 2 group E member 3; plus strand). Cytogenetic location: 15q23.
Variant type: single nucleotide variant.
Coding change: c.1159G>A on transcript NM_014249.4 (MANE Select); coding-DNA position 1159, G replaced by A.
Protein change: p.Glu387Lys; replaces glutamic acid 387 with lysine.
Molecular consequence: missense variant.
Genome position (GRCh38, 1-based): chr15:71,817,610, G>A. VCF-style: chr15-71817610-G-A. GRCh37 (hg19) VCF-style: chr15-72109951-G-A.
Other names: short protein forms E387K.
Identifiers: ClinVar variation 1504133 (VCV001504133.3), dbSNP rs1205711731, ClinGen allele CA393041394.
Genomic context (GRCh38, chr15:71,817,610, plus strand): 5'-AGGTTTGGGAAATTGCTCCTGCTCCTCCCGTCTTTGAGGTTTATCACTGCGGAACGCATC[G>A]AGCTCCTCTTTTTCCGCAAGACCATAGGGAATACTCCAATGGAGAAGCTCCTTTGTGATA-3'
Protein context (NP_055064.1, residues 377-397): SLRFITAERI[Glu387Lys]LLFFRKTIGN